The following is an entry in ClinVar:

NM_145290.4(ADGRA3):c.2724-9C>A

Gene: ADGRA3 (adhesion G protein-coupled receptor A3; minus strand). Cytogenetic location: 4p15.2.
Variant type: single nucleotide variant.
Coding change: c.2724-9C>A on transcript NM_145290.4 (MANE Select); 9 bases into the intron before coding-DNA position 2724, C replaced by A.
Molecular consequence: intron variant.
Genome position (GRCh38, 1-based): chr4:22,388,956, G>T on the plus strand (C>A on the coding strand, the complement: ADGRA3 is on the minus strand). VCF-style: chr4-22388956-G-T. GRCh37 (hg19) VCF-style: chr4-22390579-G-T.
Other names: c.2724-9C>A (NM_145290.3).
Identifiers: ClinVar variation 1669946 (VCV001669946.9), dbSNP rs773207150, ClinGen allele CA2873514.

ClinVar aggregate classification (germline): Likely benign. Review status: criteria provided, multiple submitters, no conflicts (2 of 4 stars). 2 submissions from 2 submitters: Likely benign (2). Last evaluated 2026-06-08.

Conditions:
ADGRA3-related disorder. Also called: ADGRA3-related condition.

Allele frequency attached by ClinVar (database versions not stated): ExAC 0.00002; TOPMed 0.00002.
gnomAD v4.1: 51 of 1,611,682 alleles (0.0032%); highest among the groups gnomAD compares: South Asian, 0.048%; 1 homozygote.

Submissions (2):

PreventionGenetics, part of Exact Sciences
Classification: Likely benign for ADGRA3-related condition. Last evaluated: 2026-06-08. Review status: criteria provided, single submitter. Criteria: ACMG Guidelines, 2015. Collection method: clinical testing. Allele origin: germline.
Comment: This variant is classified as likely benign based on ACMG/AMP sequence variant interpretation guidelines (Richards et al. 2015 PMID: 25741868, with internal and published modifications).

Labcorp Genetics (formerly Invitae), Labcorp
Classification: Likely benign. Last evaluated: 2024-12-24. Review status: criteria provided, single submitter. Criteria: Invitae Variant Classification Sherloc (09022015). Collection method: clinical testing. Allele origin: germline.